The following is an entry in ClinVar:

ClinVar aggregate classification (germline): Likely pathogenic. Review status: criteria provided, multiple submitters, no conflicts (2 of 4 stars). 4 submissions from 4 submitters: Likely pathogenic (3). 1 of the submissions does not count toward it. Last evaluated 2025-09-03.

Conditions:
Cerebellar hypoplasia-intellectual disability-congenital microcephaly-dystonia-anemia-growth retardation syndrome. Also called: CIMDAG SYNDROME; CEREBELLAR HYPOPLASIA, CATARACTS, IMPAIRED INTELLECTUAL DEVELOPMENT, CONGENITAL MICROCEPHALY, DYSTONIA, DYSERYTHROPOIETIC ANEMIA, AND GROWTH RETARDATION. Identifiers: Orphanet 603448, MedGen C5543287, MONDO:0035819, OMIM 619273.
Syndromic congenital hemolytic and dyserythropoietic anemia.

Submissions (4):

3billion
Classification: Likely pathogenic for Cerebellar hypoplasia-intellectual disability-congenital microcephaly-dystonia-anemia-growth retardation syndrome. Last evaluated: 2025-09-03. Review status: criteria provided, single submitter. Criteria: ACMG Guidelines, 2015. Collection method: clinical testing. Allele origin: germline. Affected: yes.
Comment: The variant is not observed in the gnomAD v4.1.0 dataset. Predicted Consequence/Location: Missense variant. Missense changes are a common disease-causing mechanism. In silico tool predictions suggest damaging effect of the variant on gene or gene product [REVEL: 0.85 (>=0.6, sensitivity 0.68 and specificity 0.92); 3Cnet: 0.15 (> 0.75, sensitivity 0.96 and precision 0.92)]. The same nucleotide change resulting in the same amino acid change has been previously reported as pathogenic/likely pathogenic with strong evidence (ClinVar ID: VCV000996556 /PMID: 33186543). Therefore, this variant is classified as Likely pathogenic according to the recommendation of ACMG/AMP guideline.

Baylor Genetics
Classification: Likely pathogenic for Cerebellar hypoplasia-intellectual disability-congenital microcephaly-dystonia-anemia-growth retardation syndrome. Last evaluated: 2023-03-13. Review status: criteria provided, single submitter. Criteria: ACMG Guidelines, 2015. Collection method: clinical testing. Allele origin: unknown.

RBC Disorders, Laboratory of Genetics and Genomics, Cincinnati Children's Hospital Medical Center
Classification: Likely pathogenic for Syndromic congenital hemolytic and dyserythropoietic anemia. Last evaluated: 2020-05-01. Review status: criteria provided, single submitter. Criteria: ACMG Guidelines, 2015. Collection method: clinical testing. Allele origin: inherited. Inheritance: Autosomal recessive inheritance. Affected: yes. Observed: 1 variant allele, 1 homozygote.

OMIM
Classification: Pathogenic for CIMDAG SYNDROME. Last evaluated: 2021-06-24. Review status: no assertion criteria provided. Collection method: literature only. Allele origin: germline. Not counted in ClinVar's aggregate classification.

Literature cited by the submitters: PubMed 33186543 (cited by 3 submitters).

NM_013245.3(VPS4A):c.83C>T (p.Ala28Val)

Genes: VPS4A (vacuolar protein sorting 4 homolog A; plus strand), LOC126862382 (CDK7 strongly-dependent group 2 enhancer GRCh37_chr16:69349279-69350478; plus strand). Cytogenetic location: 16q22.1.
Variant type: single nucleotide variant.
Coding change: c.83C>T on transcript NM_013245.3 (MANE Select); coding-DNA position 83, C replaced by T.
Protein change: p.Ala28Val; replaces alanine 28 with valine.
Molecular consequence: missense variant.
Genome position (GRCh38, 1-based): chr16:69,316,069, C>T. VCF-style: chr16-69316069-C-T. GRCh37 (hg19) VCF-style: chr16-69349972-C-T.
Other names: short protein forms A28V.
Identifiers: ClinVar variation 996556 (VCV000996556.5), dbSNP rs1965431981, ClinGen allele CA396463753.
Genomic context (GRCh38, chr16:69,316,069, plus strand): 5'-AAGCCATTGATCTGGTGACGAAAGCCACAGAGGAGGACAAAGCCAAGAACTACGAGGAGG[C>T]GCTGCGGCTGTACCAGCATGCGGTGGAGTACTTCCTCCACGCTATCAAGTGTGAGTCACA-3'
Protein context (NP_037377.1, residues 18-38): EEDKAKNYEE[Ala28Val]LRLYQHAVEY